The following is an entry in ClinVar:

NM_183381.3(RNF13):c.656G>A (p.Arg219His)

Gene: RNF13 (ring finger protein 13; plus strand). Cytogenetic location: 3q25.1.
Variant type: single nucleotide variant.
Coding change: c.656G>A on transcript NM_183381.3 (MANE Select); coding-DNA position 656, G replaced by A.
Protein change: p.Arg219His; replaces arginine 219 with histidine.
Molecular consequence: missense variant. On other transcripts: non-coding transcript variant (1).
Genome position (GRCh38, 1-based): chr3:149,921,183, G>A. VCF-style: chr3-149921183-G-A. GRCh37 (hg19) VCF-style: chr3-149638970-G-A.
Other names: c.656G>A, p.Arg219His (NM_001378285.1, NM_001378286.1, NM_007282.4); c.299G>A, p.Arg100His (NM_001378287.1, NM_001378288.1, NM_001378289.1 and 2 more transcripts); c.263G>A, p.Arg88His (NM_001378291.1); short protein forms R219H, R100H, R88H.
Identifiers: ClinVar variation 1522970 (VCV001522970.7), dbSNP rs146279690, ClinGen allele CA2663059.

ClinVar aggregate classification (germline): Uncertain significance. Review status: criteria provided, multiple submitters, no conflicts (2 of 4 stars). 2 submissions from 2 submitters: Uncertain significance (2). Last evaluated 2025-09-10.

Allele frequency attached by ClinVar (database versions not stated): gnomAD exomes 0.00007; ESP Exome Variant Server 0.00008; ExAC 0.00009; gnomAD 0.00014 and 0.00017; TOPMed 0.00021; 1000 Genomes Project 30x 0.00031; 1000 Genomes Project 0.00040.
gnomAD v4.1: 172 of 1,428,816 alleles (0.012%); highest among the groups gnomAD compares: Admixed American, 0.02%; no homozygotes.

Submissions (2):

Labcorp Genetics (formerly Invitae), Labcorp
Classification: Uncertain significance. Last evaluated: 2025-09-10. Review status: criteria provided, single submitter. Criteria: Invitae Variant Classification Sherloc (09022015). Collection method: clinical testing. Allele origin: germline.
Comment: This sequence change replaces arginine, which is basic and polar, with histidine, which is basic and polar, at codon 219 of the RNF13 protein (p.Arg219His). This variant is present in population databases (rs146279690, gnomAD 0.02%). This missense change has been observed in individual(s) with clinical features of RNF13-related conditions (internal data). ClinVar contains an entry for this variant (Variation ID: 1522970). Invitae Evidence Modeling of protein sequence and biophysical properties (such as structural, functional, and spatial information, amino acid conservation, physicochemical variation, residue mobility, and thermodynamic stability) indicates that this missense variant is not expected to disrupt RNF13 protein function with a negative predictive value of 80%. In summary, the available evidence is currently insufficient to determine the role of this variant in disease. Therefore, it has been classified as a Variant of Uncertain Significance.

Ambry Genetics
Classification: Uncertain significance. Last evaluated: 2025-01-20. Review status: criteria provided, single submitter. Criteria: Ambry Variant Classification Scheme 2023. Collection method: clinical testing. Allele origin: germline.